The following is an entry in ClinVar:

ClinVar aggregate classification (germline): Uncertain significance (1 of 4 stars; one submission).

Conditions:
WDR26-related disorder. Also called: WDR26-related condition.

Allele frequency attached by ClinVar (database versions not stated): gnomAD exomes below 0.00001.
gnomAD v4.1: 2 of 1,558,960 alleles (0.00013%); highest among the groups gnomAD compares: Non-Finnish European, 0.00018%; no homozygotes.

Submission:

PreventionGenetics, part of Exact Sciences
Classification: Uncertain significance for WDR26-related condition. Last evaluated: 2025-09-18. Review status: criteria provided, single submitter. Criteria: ACMG Guidelines, 2015. Collection method: clinical testing. Allele origin: germline.
Comment: The WDR26 c.1829C>T variant is predicted to result in the amino acid substitution p.Thr610Ile. To our knowledge, this variant has not been reported in the literature or in a large population database (gnomAD), indicating this variant is rare. At this time, the clinical significance of this variant is uncertain due to the absence of conclusive functional and genetic evidence.

NM_001379403.1(WDR26):c.2129C>T (p.Thr710Ile)

Gene: WDR26 (WD repeat domain 26; minus strand). Cytogenetic location: 1q42.11.
Variant type: single nucleotide variant.
Coding change: c.2129C>T on transcript NM_001379403.1 (MANE Select); coding-DNA position 2129, C replaced by T.
Protein change: p.Thr710Ile; replaces threonine 710 with isoleucine.
Molecular consequence: missense variant.
Genome position (GRCh38, 1-based): chr1:224,393,959, G>A on the plus strand (C>T on the coding strand, the complement: WDR26 is on the minus strand). VCF-style: chr1-224393959-G-A. GRCh37 (hg19) VCF-style: chr1-224581661-G-A.
Other names: c.1781C>T, p.Thr594Ile (NM_001115113.3); c.1829C>T, p.Thr610Ile (NM_025160.7); short protein forms T594I, T610I, T710I.
Identifiers: ClinVar variation 2629411 (VCV002629411.2), dbSNP rs2464664308, ClinGen allele CA344723833.